The following continues an entry in ClinVar:

NM_170707.4(LMNA):c.1315C>T (p.Arg439Cys)

Gene: LMNA. ClinVar aggregate classification (germline): Conflicting classifications of pathogenicity. Likely pathogenic (3); Uncertain significance (8).

Submissions 7 to 12 of 12:

All of Us Research Program, National Institutes of Health
Classification: Uncertain significance for Primary dilated cardiomyopathy. Last evaluated: 2023-12-13. Review status: criteria provided, single submitter. Criteria: ACMG Guidelines, 2015. Collection method: clinical testing. Allele origin: germline. Inheritance: Autosomal dominant inheritance. Observed: 5 variant alleles, 5 heterozygotes.
Comment: Variant of Uncertain Significance due to insufficient evidence: This missense variant is located in the lamin tail domain of the lamin A/C protein that is involved in interaction with DNA and other proteins. Computational prediction tools and conservation analyses are inconclusive regarding the impact of this variant on the protein function. Computational splicing tools suggest that this variant may impact RNA splicing. Experimental studies have shown that this variant may cause lamin oligomerization and susceptibility to oxidative stress (PMID: 19220582) and may induce a non-inflammatory fibrosis and dystrophy of adipose tissue (PMID: 21945321). However, clinical significance of these findings is not known. This variant has also been identified in 7/275204 chromosomes (6/125524 non-Finnish European chromosomes) in the general population by the Genome Aggregation Database (gnomAD). Available evidence is insufficient to determine the pathogenicity of this variant conclusively.

This study involves interpretation of variants in research participants for the purpose of population health screening. Participant phenotype was not available at the time of variant classification. Additional details can be found in publication PMID: 35346344, PMCID: PMC8962531

Institute of Human Genetics, University of Leipzig Medical Center
Classification: Likely pathogenic for Familial partial lipodystrophy, Dunnigan type. Last evaluated: 2023-08-09. Review status: criteria provided, single submitter. Criteria: ACMG Guidelines, 2015. Collection method: clinical testing. Allele origin: unknown. Inheritance: Autosomal dominant inheritance. Affected: yes.
Comment: Criteria applied: PS3_MOD,PS4_SUP,PP1,PP3,PP4

Revvity Omics, Revvity
Classification: Uncertain significance. Last evaluated: 2021-02-15. Review status: criteria provided, single submitter. Criteria: ACMG Guidelines, 2015. Collection method: clinical testing. Allele origin: germline.

Victorian Clinical Genetics Services, Murdoch Childrens Research Institute
Classification: Likely pathogenic for Charcot-Marie-Tooth disease type 2B1. Last evaluated: 2020-05-21. Review status: criteria provided, single submitter. Criteria: ACMG Guidelines, 2015. Collection method: clinical testing. Allele origin: germline.
Comment: Based on the classification scheme VCGS_Germline_v1.1.1, this variant is classified as Likely pathogenic. Following criteria are met: 0103 - Both loss- and gain-of-function are known mechanisms of disease for this gene. Missense variants have been associated with gain-of-function phenotype while loss-of-function has associated with null variants. (PMID: 17377071) (N) 0104 - Dominant Negative is a mechanism of disease for this gene. (N) 0108 - This gene is known to be associated with both recessive and dominant disease (OMIM). (N) 0200 - Variant is predicted to result in a missense amino acid change from arginine to cysteine (exon 7). (N) 0251 - Variant is heterozygous. (N) 0302 - Variant is present in gnomAD <0.001 for a dominant condition (8 heterozygotes, 0 homozygotes). (P) 0309 - An alternative amino acid change at the same position has been observed in gnomAD (2 heterozygotes, 0 homozygotes). (N) 0502 - Missense variant with conflicting in silico predictions and/or uninformative conservation. (N) 0600 - Variant is located in an annotated domain or motif (Lamin-tail domain; DECIPHER, NCBI, PDB). (N) 0705 - No comparable variants have previous evidence for pathogenicity. (N) 0803 - Low previous evidence of pathogenicity in unrelated individuals The variant has been reported in one individual with lipodystrophy and one family with Dunnigan-type partial lipodystrophy (PMID: 17711925, 19220582). (P) 0903 - Low evidence for segregation with disease. The variant has been reported in a family with four affected individuals (PMID: 19220582). (P) 1002 - Moderate functional evidence supporting abnormal protein function. In vitro assays demonstrated increased oligomerization capabilities and increased DNA binding/affinity (PMID: 19220582). (P) Legend: (P) - Pathogenic, (N) - Neutral, (B) - Benign

Eurofins Ntd Llc (ga)
Classification: Uncertain significance. Last evaluated: 2017-07-11. Review status: criteria provided, single submitter. Criteria: EGL Classification Definitions 2015. Collection method: clinical testing. Allele origin: germline. Observed: 1 variant allele, 1 heterozygote.

Epithelial Biology;  Institute of Medical Biology, Singapore
No classification provided. Review status: no classification provided. Collection method: not provided. Allele origin: not provided. Not counted in ClinVar's aggregate classification.

Literature cited by the submitters: PubMed 17711925 (cited by 4 submitters); PubMed 19220582 (cited by 5 submitters); PubMed 30287275 (cited by Labcorp Genetics (formerly Invitae), Labcorp and Color Diagnostics, LLC DBA Color Health); PubMed 24623722 (cited by Labcorp Genetics (formerly Invitae), Labcorp and Ambry Genetics); PubMed 34862408 (cited by Labcorp Genetics (formerly Invitae), Labcorp and Color Diagnostics, LLC DBA Color Health); PubMed 21945321 (cited by Color Diagnostics, LLC DBA Color Health and All of Us Research Program, National Institutes of Health); PubMed 39001760 (cited by Color Diagnostics, LLC DBA Color Health); PubMed 21831885 (cited by Ambry Genetics); PubMed 32917565 (cited by Ambry Genetics); PubMed 17377071 (cited by Victorian Clinical Genetics Services, Murdoch Childrens Research Institute).